The following is an entry in ClinVar:

NM_016507.4(CDK12):c.3348G>C (p.Leu1116Phe)

Gene: CDK12 (cyclin dependent kinase 12; plus strand). Cytogenetic location: 17q12.
Variant type: single nucleotide variant.
Coding change: c.3348G>C on transcript NM_016507.4 (MANE Select); coding-DNA position 3348, G replaced by C.
Protein change: p.Leu1116Phe; replaces leucine 1116 with phenylalanine.
Molecular consequence: missense variant.
Genome position (GRCh38, 1-based): chr17:39,525,904, G>C. VCF-style: chr17-39525904-G-C. GRCh37 (hg19) VCF-style: chr17-37682157-G-C.
Other names: c.3348G>C, p.Leu1116Phe (NM_015083.4); short protein forms L1116F.
Identifiers: ClinVar variation 3830757 (VCV003830757.1).

ClinVar aggregate classification (germline): Uncertain significance (1 of 4 stars; one submission).

Submission:

Ambry Genetics
Classification: Uncertain significance. Last evaluated: 2025-03-06. Review status: criteria provided, single submitter. Criteria: Ambry Variant Classification Scheme 2023. Collection method: clinical testing. Allele origin: germline.
Comment: The p.L1116F variant (also known as c.3348G>C), located in coding exon 13 of the CDK12 gene, results from a G to C substitution at nucleotide position 3348. The leucine at codon 1116 is replaced by phenylalanine, an amino acid with highly similar properties. This amino acid position is conserved. In addition, this alteration is predicted to be tolerated by in silico analysis. Based on the available evidence, the clinical significance of this variant remains unclear.